The following is an entry in ClinVar:

NM_000454.5(SOD1):c.280G>T (p.Gly94Cys)

Gene: SOD1 (superoxide dismutase 1; plus strand). Cytogenetic location: 21q22.11.
Variant type: single nucleotide variant.
Coding change: c.280G>T on transcript NM_000454.5 (MANE Select); coding-DNA position 280, G replaced by T.
Protein change: p.Gly94Cys; replaces glycine 94 with cysteine.
Molecular consequence: missense variant.
Genome position (GRCh38, 1-based): chr21:31,667,298, G>T. VCF-style: chr21-31667298-G-T. GRCh37 (hg19) VCF-style: chr21-33039611-G-T.
Other names: G93C; short protein forms G94C.
Identifiers: ClinVar variation 14759 (VCV000014759.6), dbSNP rs121912437, ClinGen allele CA257325.

ClinVar aggregate classification (germline): Pathogenic. Review status: criteria provided, single submitter (1 of 4 stars). 2 submissions from 2 submitters: Pathogenic (1). 1 of the submissions does not count toward it. Last evaluated 2023-10-22.

Conditions:
Amyotrophic lateral sclerosis type 1 (ALS1). Also called: AMYOTROPHIC LATERAL SCLEROSIS 1, FAMILIAL. Identifiers: Orphanet 803, MedGen C1862939, MONDO:0007103, OMIM 105400.

Submissions (2):

Labcorp Genetics (formerly Invitae), Labcorp
Classification: Pathogenic for Amyotrophic lateral sclerosis type 1. Last evaluated: 2023-10-22. Review status: criteria provided, single submitter. Criteria: Invitae Variant Classification Sherloc (09022015). Collection method: clinical testing. Allele origin: germline.
Comment: This sequence change replaces glycine, which is neutral and non-polar, with cysteine, which is neutral and slightly polar, at codon 94 of the SOD1 protein (p.Gly94Cys). This variant is not present in population databases (gnomAD no frequency). This missense change has been observed in individuals with amyotrophic lateral sclerosis (PMID: 8446170, 16476815, 20577002, 25585530). This variant is also known as Gly93->Cys, G93C. ClinVar contains an entry for this variant (Variation ID: 14759). Advanced modeling of protein sequence and biophysical properties (such as structural, functional, and spatial information, amino acid conservation, physicochemical variation, residue mobility, and thermodynamic stability) performed at Invitae indicates that this missense variant is expected to disrupt SOD1 protein function. Experimental studies have shown that this missense change affects SOD1 function (PMID: 12482932, 19483195). This variant disrupts the p.Gly94 amino acid residue in SOD1. Other variant(s) that disrupt this residue have been determined to be pathogenic (PMID: 8004110, 9029070, 18273717, 21120636, 24325798, 28089114). This suggests that this residue is clinically significant, and that variants that disrupt this residue are likely to be disease-causing. For these reasons, this variant has been classified as Pathogenic.

OMIM
Classification: Pathogenic for AMYOTROPHIC LATERAL SCLEROSIS 1. Last evaluated: 2006-02-01. Review status: no assertion criteria provided. Collection method: literature only. Allele origin: germline. Not counted in ClinVar's aggregate classification.

Literature cited by the submitters: PubMed 8446170 (cited by Labcorp Genetics (formerly Invitae), Labcorp and OMIM); PubMed 16476815 (cited by Labcorp Genetics (formerly Invitae), Labcorp and OMIM); PubMed 20577002 (cited by Labcorp Genetics (formerly Invitae), Labcorp); PubMed 25585530 (cited by Labcorp Genetics (formerly Invitae), Labcorp); PubMed 12482932 (cited by Labcorp Genetics (formerly Invitae), Labcorp); PubMed 19483195 (cited by Labcorp Genetics (formerly Invitae), Labcorp); PubMed 8004110 (cited by Labcorp Genetics (formerly Invitae), Labcorp); PubMed 9029070 (cited by Labcorp Genetics (formerly Invitae), Labcorp); PubMed 18273717 (cited by Labcorp Genetics (formerly Invitae), Labcorp); PubMed 21120636 (cited by Labcorp Genetics (formerly Invitae), Labcorp); PubMed 24325798 (cited by Labcorp Genetics (formerly Invitae), Labcorp); PubMed 28089114 (cited by Labcorp Genetics (formerly Invitae), Labcorp).